The following is an entry in ClinVar:

ClinVar aggregate classification (germline): Benign/Likely benign. Review status: criteria provided, multiple submitters, no conflicts (2 of 4 stars). 3 submissions from 3 submitters: Benign (1); Likely benign (2). Last evaluated 2025-12-17.

Conditions:
Creatine transporter deficiency (CCDS1). Also called: CEREBRAL CREATINE DEFICIENCY SYNDROME 1; Creatine Transporter (CRTR) Deficiency; Mental retardation , X-linked with seizures, short stature and midface hypoplasia; Mental retardation , X-linked, with creatine transport deficiency; X-linked creatine transporter deficiency; X-linked creatine deficiency syndrome. Identifiers: Orphanet 52503, MedGen C1845862, MONDO:0010305, OMIM 300352.

Allele frequency attached by ClinVar (database versions not stated): gnomAD 0.00001 and 0.00003; TOPMed 0.00002; gnomAD exomes 0.00004 and 0.00006; ExAC 0.00008; 1000 Genomes Project 30x 0.00021; 1000 Genomes Project 0.00026.
gnomAD v4.1: 41 of 1,208,891 alleles (0.0034%); highest among the groups gnomAD compares: South Asian, 0.016%; no homozygotes.

Submissions (3):

Labcorp Genetics (formerly Invitae), Labcorp
Classification: Benign for Creatine transporter deficiency. Last evaluated: 2025-12-17. Review status: criteria provided, single submitter. Criteria: Invitae Variant Classification Sherloc (09022015). Collection method: clinical testing. Allele origin: germline.

Blueprint Genetics
Classification: Likely benign. Last evaluated: 2024-09-20. Review status: criteria provided, single submitter. Criteria: ACMG Guidelines, 2015. Collection method: clinical testing. Allele origin: germline.

GeneDx
Classification: Likely benign. Last evaluated: 2018-02-05. Review status: criteria provided, single submitter. Criteria: GeneDx Variant Classification (06012015). Collection method: clinical testing. Allele origin: germline. Affected: yes.
Comment: This variant is considered likely benign or benign based on one or more of the following criteria: it is a conservative change, it occurs at a poorly conserved position in the protein, it is predicted to be benign by multiple in silico algorithms, and/or has population frequency not consistent with disease.

NM_005629.4(SLC6A8):c.1404C>T (p.Tyr468=)

Gene: SLC6A8 (solute carrier family 6 member 8; plus strand). Cytogenetic location: Xq28.
Variant type: single nucleotide variant.
Coding change: c.1404C>T on transcript NM_005629.4 (MANE Select); coding-DNA position 1404, C replaced by T.
Protein change: p.Tyr468=; no amino-acid change (tyrosine 468 retained).
Molecular consequence: synonymous variant.
Genome position (GRCh38, 1-based): chrX:153,694,355, C>T. VCF-style: chrX-153694355-C-T. GRCh37 (hg19) VCF-style: chrX-152959810-C-T.
Other names: c.1374C>T, p.Tyr458= (NM_001142805.2); c.1059C>T, p.Tyr353= (NM_001142806.1).
Identifiers: ClinVar variation 516200 (VCV000516200.11), dbSNP rs782696303, ClinGen allele CA10549517.
Genomic context (GRCh38, chrX:153,694,355, plus strand): 5'-ACCTCTGGTGGCCGTCTGCCATCCTCCCTGACTGGGCTCTGTCCCCCAGGGCGGGATGTA[C>T]GTCTTCCAGCTGTTTGACTACTACTCGGCCAGCGGCACCACCCTGCTCTGGCAGGCCTTT-3'
Protein context (NP_005620.1, residues 458-478): DLSMVTDGGM[Tyr468=]VFQLFDYYSA